The following is an entry in ClinVar:

NM_013275.6(ANKRD11):c.5833G>T (p.Glu1945Ter)

Gene: ANKRD11 (ankyrin repeat domain 11; minus strand). Cytogenetic location: 16q24.3.
Variant type: single nucleotide variant.
Coding change: c.5833G>T on transcript NM_013275.6 (MANE Select); coding-DNA position 5833, G replaced by T.
Protein change: p.Glu1945Ter; replaces glutamic acid 1945 with a stop codon.
Molecular consequence: nonsense.
Genome position (GRCh38, 1-based): chr16:89,280,709, C>A on the plus strand (G>T on the coding strand, the complement: ANKRD11 is on the minus strand). VCF-style: chr16-89280709-C-A. GRCh37 (hg19) VCF-style: chr16-89347117-C-A.
Other names: c.5833G>T, p.Glu1945Ter (NM_001256182.2, NM_001256183.2); short protein forms E1945*.
Identifiers: ClinVar variation 959781 (VCV000959781.7), dbSNP rs1184729090, ClinGen allele CA397152628.

ClinVar aggregate classification (germline): Pathogenic (1 of 4 stars; one submission).

Conditions:
KBG syndrome (KBGS). Also called: ANKRD11-Related KBG Syndrome. Identifiers: Orphanet 2332, MedGen C0220687, MONDO:0007846, OMIM 148050.

Submission:

Labcorp Genetics (formerly Invitae), Labcorp
Classification: Pathogenic for KBG syndrome. Last evaluated: 2019-11-03. Review status: criteria provided, single submitter. Criteria: Invitae Variant Classification Sherloc (09022015). Collection method: clinical testing. Allele origin: germline.
Comment: This sequence change creates a premature translational stop signal (p.Glu1945*) in the ANKRD11 gene. It is expected to result in an absent or disrupted protein product. This variant is not present in population databases (ExAC no frequency). This variant has not been reported in the literature in individuals with ANKRD11-related conditions. Loss-of-function variants in ANKRD11 are known to be pathogenic (PMID: 21782149, 25125236, 25413698, 25652421). For these reasons, this variant has been classified as Pathogenic.

Literature cited by the submitters: PubMed 21782149; PubMed 25125236; PubMed 25413698; PubMed 25652421.